The following is an entry in ClinVar:

NM_000091.5(COL4A3):c.2375-2A>G

Genes: COL4A3 (collagen type IV alpha 3 chain; plus strand), MFF-DT (MFF divergent transcript; minus strand). Cytogenetic location: 2q36.3.
Variant type: single nucleotide variant.
Coding change: c.2375-2A>G on transcript NM_000091.5 (MANE Select); the canonical splice acceptor site of the intron before coding-DNA position 2375, A replaced by G.
Molecular consequence: splice acceptor variant.
Genome position (GRCh38, 1-based): chr2:227,280,891, A>G. VCF-style: chr2-227280891-A-G. GRCh37 (hg19) VCF-style: chr2-228145607-A-G.
Identifiers: ClinVar variation 837826 (VCV000837826.9), dbSNP rs2071916145, ClinGen allele CA350849348.
Genomic context (GRCh38, chr2:227,280,891, plus strand): 5'-TACAGCAATACCAAGACCTTAAGTTCTAGCACCTGGGTATATACTTGTGCTTTCTTTTGC[A>G]GGAGATCCAGGGCAGCCTGGACCACCTGGAGAACAAGGACCCCCAGGAAGGTGCATAGAG-3'

ClinVar aggregate classification (germline): Likely pathogenic. Review status: criteria provided, multiple submitters, no conflicts (2 of 4 stars). 2 submissions from 2 submitters: Likely pathogenic (2). Last evaluated 2024-10-09.

Conditions:
Alport syndrome. Also called: Hemorrhagic familial nephritis; Hemorrhagic hereditary nephritis; Congenital hereditary hematuria. Identifiers: Orphanet 63, MedGen C1567741, MONDO:0018965.

Allele frequency attached by ClinVar (database versions not stated): gnomAD exomes below 0.00001.
gnomAD v4.1: 1 of 1,551,304 alleles (0.000064%); highest among the groups gnomAD compares: Non-Finnish European, 0.000087%; no homozygotes.

Submissions (2):

Victorian Clinical Genetics Services, Murdoch Childrens Research Institute
Classification: Likely pathogenic for Alport syndrome. Last evaluated: 2024-10-09. Review status: criteria provided, single submitter. Criteria: ACMG Guidelines, 2015. Collection method: clinical testing. Allele origin: germline. Affected: yes.
Comment: Based on the classification scheme VCGS_Germline_v1.3.4, this variant is classified as Likely pathogenic. Following criteria are met: 0103 - Dominant negative and loss of function are known mechanisms of disease in this gene and are associated with Alport syndrome (MONDO:0018965), COL4A3-related. Glycine changes that are part of a G-X-Y repeat in the triple helix of a collagen domain are known to have a dominant negative effect (PMID: 12028435). (I) 0108 - This gene is associated with both recessive (Alport syndrome 2 MIM#203780) and dominant disease (Alport syndrome 3 MIM#104200) (OMIM). (I) 0211 - Canonical splice site variant without proven consequence on splicing (no functional evidence available). (SP) 0251 - This variant is heterozygous. (I) 0301 - Variant is absent from gnomAD (both v2 and v3). (SP) 0505 - Abnormal splicing is predicted by in silico tools and affected nucleotide is highly conserved. (SP) 0704 - Another canonical splice variant comparable to the one identified in this case has limited previous evidence for pathogenicity. c.2375-2A>T has been classified as likely pathogenic by a clinical laboratory in ClinVar. (SP) 0803 - This variant has limited previous evidence of pathogenicity in an unrelated individual. This variant has been classified as likely pathogenic by a clinical laboratory in ClinVar. (SP) 0905 - No published segregation evidence has been identified for this variant. (I) 1007 - No published functional evidence has been identified for this variant. (I) 1208 - Inheritance information for this variant is not currently available in this individual. (I) Legend: (SP) - Supporting pathogenic, (I) - Information, (SB) - Supporting benign

Labcorp Genetics (formerly Invitae), Labcorp
Classification: Likely pathogenic. Last evaluated: 2022-05-27. Review status: criteria provided, single submitter. Criteria: Invitae Variant Classification Sherloc (09022015). Collection method: clinical testing. Allele origin: germline.
Comment: This sequence change affects an acceptor splice site in intron 30 of the COL4A3 gene. It is expected to disrupt RNA splicing. Variants that disrupt the donor or acceptor splice site typically lead to a loss of protein function (PMID: 16199547), and loss-of-function variants in COL4A3 are known to be pathogenic (PMID: 8956999, 24854265, 26809805, 27281700). This variant is not present in population databases (gnomAD no frequency). This variant has not been reported in the literature in individuals affected with COL4A3-related conditions. ClinVar contains an entry for this variant (Variation ID: 837826). Algorithms developed to predict the effect of sequence changes on RNA splicing suggest that this variant may disrupt the consensus splice site. In summary, the currently available evidence indicates that the variant is pathogenic, but additional data are needed to prove that conclusively. Therefore, this variant has been classified as Likely Pathogenic.

Literature cited by the submitters: PubMed 12028435 (cited by Victorian Clinical Genetics Services, Murdoch Childrens Research Institute); PubMed 16199547 (cited by Labcorp Genetics (formerly Invitae), Labcorp); PubMed 8956999 (cited by Labcorp Genetics (formerly Invitae), Labcorp); PubMed 24854265 (cited by Labcorp Genetics (formerly Invitae), Labcorp); PubMed 26809805 (cited by Labcorp Genetics (formerly Invitae), Labcorp); PubMed 27281700 (cited by Labcorp Genetics (formerly Invitae), Labcorp).